The following is an entry in ClinVar:

ClinVar aggregate classification (germline): Uncertain significance (1 of 4 stars; one submission).

Conditions:
RYR1-related disorder. Also called: RYR1-related condition; RYR1-related disorders. Identifiers: MedGen CN239331.

Submission:

Labcorp Genetics (formerly Invitae), Labcorp
Classification: Uncertain significance for RYR1-related disorder. Last evaluated: 2021-10-07. Review status: criteria provided, single submitter. Criteria: Invitae Variant Classification Sherloc (09022015). Collection method: clinical testing. Allele origin: germline.
Comment: This variant is not present in population databases (ExAC no frequency). This sequence change replaces methionine with leucine at codon 4875 of the RYR1 protein (p.Met4875Leu). The methionine residue is highly conserved and there is a small physicochemical difference between methionine and leucine. This variant has not been reported in the literature in individuals affected with RYR1-related conditions. Algorithms developed to predict the effect of missense changes on protein structure and function are either unavailable or do not agree on the potential impact of this missense change (SIFT: "Deleterious"; PolyPhen-2: "Not Available"; Align-GVGD: "Class C0"). This variant disrupts the p.Met4875Val, p.Met4875Thr amino acid residue in RYR1. Other variant(s) that disrupt this residue have been observed in individuals with RYR1-related conditions (PMID: 30155738, 30611313), which suggests that this may be a clinically significant amino acid residue. In summary, the available evidence is currently insufficient to determine the role of this variant in disease. Therefore, it has been classified as a Variant of Uncertain Significance.

Literature cited by the submitters: PubMed 30155738; PubMed 30611313.

NM_000540.3(RYR1):c.14623A>C (p.Met4875Leu)

Gene: RYR1 (ryanodine receptor 1; plus strand). Cytogenetic location: 19q13.2.
Variant type: single nucleotide variant.
Coding change: c.14623A>C on transcript NM_000540.3 (MANE Select); coding-DNA position 14623, A replaced by C.
Protein change: p.Met4875Leu; replaces methionine 4875 with leucine.
Molecular consequence: missense variant.
Genome position (GRCh38, 1-based): chr19:38,580,481, A>C. VCF-style: chr19-38580481-A-C. GRCh37 (hg19) VCF-style: chr19-39071121-A-C.
Other names: c.14608A>C, p.Met4870Leu (NM_001042723.2); short protein forms M4870L, M4875L.
Identifiers: ClinVar variation 1385005 (VCV001385005.6), dbSNP rs1974153045, ClinGen allele CA405688027.